The following is an entry in ClinVar:

NM_001220.5(CAMK2B):c.221-21A>C

Gene: CAMK2B (calcium/calmodulin dependent protein kinase II beta; minus strand). Cytogenetic location: 7p13.
Variant type: single nucleotide variant.
Coding change: c.221-21A>C on transcript NM_001220.5 (MANE Select); 21 bases into the intron before coding-DNA position 221, A replaced by C.
Molecular consequence: intron variant.
Genome position (GRCh38, 1-based): chr7:44,258,947, T>G on the plus strand (A>C on the coding strand, the complement: CAMK2B is on the minus strand). VCF-style: chr7-44258947-T-G. GRCh37 (hg19) VCF-style: chr7-44298546-T-G.
Other names: c.221-21A>C (NM_172084.3, NM_172080.3, NM_172083.3 and 5 more transcripts).
Identifiers: ClinVar variation 4891075 (VCV004891075.1).

ClinVar aggregate classification (germline): Uncertain significance (1 of 4 stars; one submission).

Submission:

Greenwood Genetic Center Diagnostic Laboratories, Greenwood Genetic Center
Classification: Uncertain significance. Last evaluated: 2026-05-14. Review status: criteria provided, single submitter. Criteria: ACMG Guidelines, 2015. Collection method: clinical testing. Allele origin: germline.
Comment: PM2